The following is an entry in ClinVar:

ClinVar aggregate classification (germline): Conflicting classifications of pathogenicity. Review status: criteria provided, conflicting classifications (1 of 4 stars). 4 submissions from 4 submitters: Uncertain significance (1); Benign (3). Last evaluated 2026-06-19.

Conditions:
Cardiovascular phenotype. Identifiers: MedGen CN230736.
Long QT syndrome (LQTS). Identifiers: MedGen C0023976, MeSH D008133, MONDO:0002442. Disease mechanism: loss of function. Inheritance: Various modes of inheritance.
Long QT syndrome 11 (LQT11). Identifiers: Orphanet 101016, Orphanet 768, MedGen C2678483, MONDO:0012738, OMIM 611820.

Allele frequency attached by ClinVar (database versions not stated): TOPMed 0.00036; ESP Exome Variant Server 0.00054; gnomAD 0.00034; gnomAD exomes 0.00060 and 0.00028; ExAC 0.00044.
gnomAD v4.1: 474 of 1,611,912 alleles (0.029%); highest among the groups gnomAD compares: Admixed American, 0.025%; 4 homozygotes.

Submissions (5):

Women's Health and Genetics/Laboratory Corporation of America, LabCorp
Classification: Benign. Last evaluated: 2026-06-19. Review status: criteria provided, single submitter. Criteria: LabCorp Variant Classification Summary - May 2015. Collection method: clinical testing. Allele origin: germline.

Labcorp Genetics (formerly Invitae), Labcorp
Classification: Benign for Long QT syndrome. Last evaluated: 2026-01-05. Review status: criteria provided, single submitter. Criteria: Invitae Variant Classification Sherloc (09022015). Collection method: clinical testing. Allele origin: germline.

Clinical Genomics Laboratory, Washington University in St. Louis
Classification: Uncertain significance for Long QT syndrome 11. Last evaluated: 2025-01-24. Review status: criteria provided, single submitter. Criteria: ACMG Guidelines, 2015. Collection method: clinical testing. Allele origin: germline.
Comment: The AKAP9 c.4164G>A (p.Ser1388=) variant, to our knowledge, has not been reported in the medical literature. This variant has been reported in the ClinVar database as a germline benign variant by two submitters and germline variant of uncertain significance by one submitter (Variation ID: 360825). This variant is observed on 162/282,774 alleles in the general population (gnomAD v.2.1.1). Computational predictors indicate that the variant has no impact on splicing, evidence that this variant does not have a damaging effect on AKAP9 function. Due to limited information, the clinical significance of this variant is uncertain.

Ambry Genetics
Classification: Benign for Cardiovascular phenotype. Last evaluated: 2017-12-05. Review status: criteria provided, single submitter. Criteria: Ambry Variant Classification Scheme 2023. Collection method: clinical testing. Allele origin: germline.

Dr. Peter K. Rogan Lab, Western University
No classification provided (evidence only). Condition: Colon adenocarcinoma. Review status: no classification provided. Collection method: in vitro. Allele origin: not applicable. Functional consequence: retained intron. Not counted in ClinVar's aggregate classification.

NM_005751.5(AKAP9):c.4164G>A (p.Ser1388=)

Gene: AKAP9 (A-kinase anchoring protein 9; plus strand). Cytogenetic location: 7q21.2.
Variant type: single nucleotide variant.
Coding change: c.4164G>A on transcript NM_005751.5 (MANE Select); coding-DNA position 4164, G replaced by A.
Protein change: p.Ser1388=; no amino-acid change (serine 1388 retained).
Molecular consequence: synonymous variant.
Genome position (GRCh38, 1-based): chr7:92,029,910, G>A. VCF-style: chr7-92029910-G-A. GRCh37 (hg19) VCF-style: chr7-91659224-G-A.
Other names: c.4164G>A, p.Ser1388= (NM_147185.3).
Identifiers: ClinVar variation 360825 (VCV000360825.22), dbSNP rs146831402, ClinGen allele CA4336500.